The following is an entry in ClinVar:

ClinVar aggregate classification (germline): Uncertain significance (1 of 4 stars; one submission).

Allele frequency attached by ClinVar (database versions not stated): gnomAD 0.00001.
gnomAD v4.1: 1 of 1,611,596 alleles (0.000062%); no homozygotes.

Submission:

Labcorp Genetics (formerly Invitae), Labcorp
Classification: Uncertain significance. Last evaluated: 2022-02-02. Review status: criteria provided, single submitter. Criteria: Invitae Variant Classification Sherloc (09022015). Collection method: clinical testing. Allele origin: germline.
Comment: In summary, the available evidence is currently insufficient to determine the role of this variant in disease. Therefore, it has been classified as a Variant of Uncertain Significance. Algorithms developed to predict the effect of missense changes on protein structure and function output the following: SIFT: "Tolerated"; PolyPhen-2: "Benign"; Align-GVGD: "Class C0". The leucine amino acid residue is found in multiple mammalian species, which suggests that this missense change does not adversely affect protein function. This variant has not been reported in the literature in individuals affected with CCDC88A-related conditions. This variant is not present in population databases (gnomAD no frequency). This sequence change replaces valine, which is neutral and non-polar, with leucine, which is neutral and non-polar, at codon 329 of the CCDC88A protein (p.Val329Leu).

NM_001365480.1(CCDC88A):c.985G>C (p.Val329Leu)

Gene: CCDC88A (coiled-coil and HOOK domain protein 88A; minus strand). Cytogenetic location: 2p16.1.
Variant type: single nucleotide variant.
Coding change: c.985G>C on transcript NM_001365480.1 (MANE Select); coding-DNA position 985, G replaced by C.
Protein change: p.Val329Leu; replaces valine 329 with leucine.
Molecular consequence: missense variant.
Genome position (GRCh38, 1-based): chr2:55,346,231, C>G on the plus strand (G>C on the coding strand, the complement: CCDC88A is on the minus strand). VCF-style: chr2-55346231-C-G. GRCh37 (hg19) VCF-style: chr2-55573367-C-G.
Other names: c.985G>C, p.Val329Leu (NM_001135597.2, NM_001254943.2, NM_018084.5); short protein forms V329L.
Identifiers: ClinVar variation 1355668 (VCV001355668.8), dbSNP rs1669092633, ClinGen allele CA346906885.